The following is an entry in ClinVar:

ClinVar aggregate classification (germline): Likely benign. Review status: criteria provided, multiple submitters, no conflicts (2 of 4 stars). 4 submissions from 4 submitters: Likely benign (4). Last evaluated 2025-07-23.

Conditions:
Cardiovascular phenotype. Identifiers: MedGen CN230736.
Cardiomyopathy (CMYO). Also called: Cardiomyopathies. Identifiers: Orphanet 167848, MedGen C0878544, MONDO:0004994, HP:0001638. Inheritance: Various modes of inheritance.
Lethal congenital glycogen storage disease of heart. Also called: PHOSPHORYLASE KINASE DEFICIENCY OF HEART; GLYCOGEN STORAGE DISEASE OF HEART. Identifiers: Orphanet 439854, MedGen C1849813, MONDO:0009867, OMIM 261740.
Hypertrophic cardiomyopathy. Also called: HYPERTROPHIC MYOCARDIOPATHY. Identifiers: Orphanet 217569, MedGen C0007194, MeSH D002312, MONDO:0005045, HP:0001639.

Allele frequency attached by ClinVar (database versions not stated): gnomAD 0.00001; gnomAD exomes 0.00001.
gnomAD v4.1: 9 of 1,613,976 alleles (0.00056%); highest among the groups gnomAD compares: Admixed American, 0.0033%; no homozygotes.

Submissions (4):

Labcorp Genetics (formerly Invitae), Labcorp
Classification: Likely benign for Lethal congenital glycogen storage disease of heart. Last evaluated: 2025-07-23. Review status: criteria provided, single submitter. Criteria: Invitae Variant Classification Sherloc (09022015). Collection method: clinical testing. Allele origin: germline.

All of Us Research Program, National Institutes of Health
Classification: Likely benign for Hypertrophic cardiomyopathy. Last evaluated: 2022-12-16. Review status: criteria provided, single submitter. Criteria: ACMG Guidelines, 2015. Collection method: clinical testing. Allele origin: germline. Inheritance: Autosomal dominant inheritance. Observed: 1 variant allele, 1 heterozygote.
Comment: This study involves interpretation of variants in research participants for the purpose of population health screening. Participant phenotype was not available at the time of variant classification. Additional details can be found in publication PMID: 35346344, PMCID: PMC8962531

Ambry Genetics
Classification: Likely benign for Cardiovascular phenotype. Last evaluated: 2020-09-29. Review status: criteria provided, single submitter. Criteria: Ambry Variant Classification Scheme 2023. Collection method: clinical testing. Allele origin: germline.

Color Diagnostics, LLC DBA Color Health
Classification: Likely benign for Cardiomyopathy. Last evaluated: 2019-12-29. Review status: criteria provided, single submitter. Criteria: ACMG Guidelines, 2015. Collection method: clinical testing. Allele origin: germline.

NM_016203.4(PRKAG2):c.546C>T (p.His182=)

Gene: PRKAG2 (protein kinase AMP-activated non-catalytic subunit gamma 2; minus strand). Cytogenetic location: 7q36.1.
Variant type: single nucleotide variant.
Coding change: c.546C>T on transcript NM_016203.4 (MANE Select); coding-DNA position 546, C replaced by T.
Protein change: p.His182=; no amino-acid change (histidine 182 retained).
Molecular consequence: synonymous variant.
Genome position (GRCh38, 1-based): chr7:151,675,558, G>A on the plus strand (C>T on the coding strand, the complement: PRKAG2 is on the minus strand). VCF-style: chr7-151675558-G-A. GRCh37 (hg19) VCF-style: chr7-151372644-G-A.
Other names: c.414C>T, p.His138= (NM_001040633.2); c.174C>T, p.His58= (NM_001304527.2, NM_001363698.2); c.546C>T (NM_016203.3).
Identifiers: ClinVar variation 927257 (VCV000927257.13), dbSNP rs1221506447, ClinGen allele CA458798357.